The following is an entry in ClinVar:

GRCh38/hg38 17p13.2(chr17:3494418-3727880)x1

Genes: ASPA (aspartoacylase; plus strand), CTNS (cystinosin, lysosomal cystine transporter; plus strand), CTNS-AS1 (CTNS antisense RNA 1; minus strand), EMC6 (ER membrane protein complex subunit 6; plus strand), HASPIN (histone H3 associated protein kinase; plus strand) and 24 more. Cytogenetic location: 17p13.2.
Variant type: copy number loss.
Change: copy number 1 (one copy instead of two) of chr17:3,494,418-3,727,880 (233.5 kb, GRCh38 coordinates, 1-based), cytogenetic band 17p13.2.
Identifiers: ClinVar variation 150930 (VCV000150930.2).

ClinVar aggregate classification (germline): conflicting data from submitters (0 of 4 stars; one submission).

Submission:

ISCA site 1
Classification: conflicting data from submitters. Last evaluated: 2013-01-25. Review status: no assertion criteria provided. Collection method: clinical testing. Allele origin: unknown, paternal. Affected: yes. Observed: 2 variant alleles.
Comment: Uncertain significance(1), Likely benign (1)

Copy number variation identified through the course of routine clinical cytogenomic testing in postnatal populations, with clinical assertions as classified by the original submitter. For data from the original published study, Kaminsky, et al. 2011 (PubMed 21844811), please see nstd101.